The following is an entry in ClinVar:

ClinVar aggregate classification (germline): Uncertain significance (1 of 4 stars; one submission).

Conditions:
Severe X-linked myotubular myopathy (CNMX). Also called: MYOTUBULAR MYOPATHY 1; X-linked centronuclear myopathy; Myotubular myopathy, X-linked. Identifiers: Orphanet 596, MedGen C0410203, MONDO:0010683, OMIM 310400.

Allele frequency attached by ClinVar (database versions not stated): ExAC 0.00001; gnomAD 0.00001; gnomAD exomes 0.00001.

Submission:

Labcorp Genetics (formerly Invitae), Labcorp
Classification: Uncertain significance for Severe X-linked myotubular myopathy. Last evaluated: 2021-08-01. Review status: criteria provided, single submitter. Criteria: Invitae Variant Classification Sherloc (09022015). Collection method: clinical testing. Allele origin: germline.
Comment: In summary, the available evidence is currently insufficient to determine the role of this variant in disease. Therefore, it has been classified as a Variant of Uncertain Significance. Algorithms developed to predict the effect of missense changes on protein structure and function output the following: SIFT: "Deleterious"; PolyPhen-2: "Benign"; Align-GVGD: "Class C0". The isoleucine amino acid residue is found in multiple mammalian species, which suggests that this missense change does not adversely affect protein function. This variant has not been reported in the literature in individuals affected with MTM1-related conditions. This variant is present in population databases (rs782705509, ExAC 0.01%), including at least one homozygous and/or hemizygous individual. This sequence change replaces valine with isoleucine at codon 521 of the MTM1 protein (p.Val521Ile). The valine residue is highly conserved and there is a small physicochemical difference between valine and isoleucine.

NM_000252.3(MTM1):c.1561G>A (p.Val521Ile)

Gene: MTM1 (myotubularin 1; plus strand). Cytogenetic location: Xq28.
Variant type: single nucleotide variant.
Coding change: c.1561G>A on transcript NM_000252.3 (MANE Select); coding-DNA position 1561, G replaced by A.
Protein change: p.Val521Ile; replaces valine 521 with isoleucine.
Molecular consequence: missense variant.
Genome position (GRCh38, 1-based): chrX:150,663,526, G>A. VCF-style: chrX-150663526-G-A. GRCh37 (hg19) VCF-style: chrX-149831999-G-A.
Other names: c.1561G>A, p.Val521Ile (NM_001376906.1, NM_001376908.1); c.1450G>A, p.Val484Ile (NM_001376907.1); short protein forms V484I, V521I.
Identifiers: ClinVar variation 1509348 (VCV001509348.6), dbSNP rs782705509, ClinGen allele CA10539293.